The following is an entry in ClinVar:

NM_001283009.2(RTEL1):c.2173C>T (p.Pro725Ser)

Genes: RTEL1 (regulator of telomere elongation helicase 1; plus strand), RTEL1-TNFRSF6B (RTEL1-TNFRSF6B readthrough (NMD candidate); plus strand). Cytogenetic location: 20q13.33.
Variant type: single nucleotide variant.
Coding change: c.2173C>T on transcript NM_001283009.2 (MANE Select); coding-DNA position 2173, C replaced by T.
Protein change: p.Pro725Ser; replaces proline 725 with serine.
Molecular consequence: missense variant. On other transcripts: non-coding transcript variant (1).
Genome position (GRCh38, 1-based): chr20:63,690,118, C>T. VCF-style: chr20-63690118-C-T. GRCh37 (hg19) VCF-style: chr20-62321471-C-T.
Other names: c.1504C>T, p.Pro502Ser (NM_001283010.1); c.2173C>T, p.Pro725Ser (NM_016434.4); c.2245C>T, p.Pro749Ser (NM_032957.5); short protein forms P502S, P725S, P749S.
Identifiers: ClinVar variation 3228184 (VCV003228184.1), dbSNP rs769009037, ClinGen allele CA9965219.
Genomic context (GRCh38, chr20:63,690,118, plus strand): 5'-AGGGCAGCAGGGCTATGGCCACCCCCCAGGTTCGCCTTTGCCGACGCAAGAGCCCAACTG[C>T]CCTCCTGGGTGCGTCCCCACGTCAGGGTGTATGACAACTTTGGCCATGTCATCCGAGACG-3'
Protein context (NP_001269938.1, residues 715-735): FAFADARAQL[Pro725Ser]SWVRPHVRVY

ClinVar aggregate classification (germline): Uncertain significance (1 of 4 stars; one submission).

Conditions:
Inborn genetic diseases. Identifiers: MedGen C0950123, MeSH D030342.

Allele frequency attached by ClinVar (database versions not stated): ExAC 0.00001.
gnomAD v4.1: 2 of 1,612,172 alleles (0.00012%); highest among the groups gnomAD compares: African/African-American, 0.0027%; no homozygotes.

Submission:

Ambry Genetics
Classification: Uncertain significance for Inborn genetic diseases. Last evaluated: 2024-03-04. Review status: criteria provided, single submitter. Criteria: Ambry Variant Classification Scheme 2023. Collection method: clinical testing. Allele origin: germline.
Comment: The p.P749S variant (also known as c.2245C>T), located in coding exon 24 of the RTEL1 gene, results from a C to T substitution at nucleotide position 2245. The proline at codon 749 is replaced by serine, an amino acid with similar properties. This amino acid position is conserved. In addition, this alteration is predicted to be deleterious by in silico analysis. Based on the available evidence, the clinical significance of this alteration remains unclear.